The following is an entry in ClinVar:

NM_000138.5(FBN1):c.963C>T (p.Thr321=)

Gene: FBN1 (fibrillin 1; minus strand). Cytogenetic location: 15q21.1.
Variant type: single nucleotide variant.
Coding change: c.963C>T on transcript NM_000138.5 (MANE Select); coding-DNA position 963, C replaced by T.
Protein change: p.Thr321=; no amino-acid change (threonine 321 retained).
Molecular consequence: synonymous variant.
Genome position (GRCh38, 1-based): chr15:48,526,155, G>A on the plus strand (C>T on the coding strand, the complement: FBN1 is on the minus strand). VCF-style: chr15-48526155-G-A. GRCh37 (hg19) VCF-style: chr15-48818352-G-A.
Identifiers: ClinVar variation 923382 (VCV000923382.8), dbSNP rs767914958, ClinGen allele CA060406.

ClinVar aggregate classification (germline): Likely benign. Review status: criteria provided, multiple submitters, no conflicts (2 of 4 stars). 4 submissions from 4 submitters: Likely benign (4). Last evaluated 2025-02-16.

Conditions:
Familial thoracic aortic aneurysm and aortic dissection (TAAD). Also called: Thoracic aortic aneurysms and dissections. Identifiers: Orphanet 91387, MedGen C4707243, MONDO:0019625.
Marfan syndrome (MFS). Also called: Marfan syndrome, classic; Marfan syndrome type 1; Marfan's syndrome; FBN1-Related Marfan Syndrome; MARFAN SYNDROME, TYPE I. Identifiers: Orphanet 284963, Orphanet 558, MedGen C0024796, MONDO:0007947, OMIM 154700.

Allele frequency attached by ClinVar (database versions not stated): gnomAD 0.00001; gnomAD exomes below 0.00001; TOPMed below 0.00001; ExAC 0.00001.
gnomAD v4.1: 6 of 1,613,980 alleles (0.00037%); highest among the groups gnomAD compares: African/African-American, 0.0013%; no homozygotes.

Submissions (4):

Labcorp Genetics (formerly Invitae), Labcorp
Classification: Likely benign for Marfan syndrome; Familial thoracic aortic aneurysm and aortic dissection. Last evaluated: 2025-02-16. Review status: criteria provided, single submitter. Criteria: Invitae Variant Classification Sherloc (09022015). Collection method: clinical testing. Allele origin: germline.

All of Us Research Program, National Institutes of Health
Classification: Likely benign for Marfan syndrome. Last evaluated: 2023-10-02. Review status: criteria provided, single submitter. Criteria: ACMG Guidelines, 2015. Collection method: clinical testing. Allele origin: germline. Inheritance: Autosomal dominant inheritance. Observed: 4 variant alleles, 4 heterozygotes.
Comment: This study involves interpretation of variants in research participants for the purpose of population health screening. Participant phenotype was not available at the time of variant classification. Additional details can be found in publication PMID: 35346344, PMCID: PMC8962531

Color Diagnostics, LLC DBA Color Health
Classification: Likely benign for Familial thoracic aortic aneurysm and aortic dissection. Last evaluated: 2019-01-07. Review status: criteria provided, single submitter. Criteria: ACMG Guidelines, 2015. Collection method: clinical testing. Allele origin: germline.

Ambry Genetics
Classification: Likely benign for Familial thoracic aortic aneurysm and aortic dissection. Last evaluated: 2018-01-04. Review status: criteria provided, single submitter. Criteria: Ambry Variant Classification Scheme 2023. Collection method: clinical testing. Allele origin: germline.